The following is an entry in ClinVar:

ClinVar aggregate classification (germline): Conflicting classifications of pathogenicity. Review status: criteria provided, conflicting classifications (1 of 4 stars). 2 submissions from 2 submitters: Uncertain significance (1); Likely benign (1). Last evaluated 2026-01-11.

Conditions:
Hereditary spastic paraplegia 7 (SPG7). Also called: Spastic paraplegia 7; Hereditary spastic paraplegia Paraplegin type; SPASTIC PARAPLEGIA 7, AUTOSOMAL RECESSIVE, WITH OR WITHOUT CEREBELLAR ATAXIA; Autosomal recessive spastic paraplegia type 7; SPG7-related neurologic disorder. Identifiers: Orphanet 99013, MedGen C1846564, MONDO:0011803, OMIM 607259.

Allele frequency attached by ClinVar (database versions not stated): TOPMed 0.00001; gnomAD 0.00005; ESP Exome Variant Server 0.00008; ExAC 0.00019.
gnomAD v4.1: 211 of 1,593,850 alleles (0.013%); highest among the groups gnomAD compares: South Asian, 0.13%; no homozygotes.

Submissions (2):

Labcorp Genetics (formerly Invitae), Labcorp
Classification: Likely benign for Hereditary spastic paraplegia 7. Last evaluated: 2026-01-11. Review status: criteria provided, single submitter. Criteria: Invitae Variant Classification Sherloc (09022015). Collection method: clinical testing. Allele origin: germline.

CeGaT Center for Human Genetics Tuebingen
Classification: Uncertain significance. Last evaluated: 2023-02-01. Review status: criteria provided, single submitter. Criteria: CeGaT Center For Human Genetics Tuebingen Variant Classification Criteria Version 2. Collection method: clinical testing. Allele origin: germline. Affected: yes. Observed: 1 variant allele.
Comment: SPG7: PM2, BP4

NM_003119.4(SPG7):c.861+8C>G

Gene: SPG7 (SPG7 matrix AAA peptidase subunit, paraplegin; plus strand). Cytogenetic location: 16q24.3.
Variant type: single nucleotide variant.
Coding change: c.861+8C>G on transcript NM_003119.4 (MANE Select); 8 bases into the intron after coding-DNA position 861, C replaced by G.
Molecular consequence: intron variant.
Genome position (GRCh38, 1-based): chr16:89,529,587, C>G. VCF-style: chr16-89529587-C-G. GRCh37 (hg19) VCF-style: chr16-89595995-C-G.
Other names: c.861+8C>G (NM_001363850.1, NM_199367.3).
Identifiers: ClinVar variation 2498680 (VCV002498680.29), dbSNP rs375603789, ClinGen allele CA8243803.
Genomic context (GRCh38, chr16:89,529,587, plus strand): 5'-ATGTTTTCCGTCTGGCCGGGATGACTGGAAGGGAAGGTGGATTCAGTGCTTTTGTAAGTT[C>G]TGTAAATCAGAGCTCTCTGAACTCTTTCTGGTTTGTGTTTGCTGAATACTTTTCCCATAA-3'